The following is an entry in ClinVar:

NM_001037.5(SCN1B):c.284G>C (p.Ser95Thr)

Gene: SCN1B (sodium voltage-gated channel beta subunit 1; plus strand). Cytogenetic location: 19q13.11.
Variant type: single nucleotide variant.
Coding change: c.284G>C on transcript NM_001037.5 (MANE Select); coding-DNA position 284, G replaced by C.
Protein change: p.Ser95Thr; replaces serine 95 with threonine.
Molecular consequence: missense variant.
Genome position (GRCh38, 1-based): chr19:35,033,575, G>C. VCF-style: chr19-35033575-G-C. GRCh37 (hg19) VCF-style: chr19-35524479-G-C.
Other names: c.185G>C, p.Ser62Thr (NM_001321605.2); c.284G>C, p.Ser95Thr (NM_199037.5); short protein forms S62T, S95T.
Identifiers: ClinVar variation 2132854 (VCV002132854.4), dbSNP rs1173359846, ClinGen allele CA405328697.

ClinVar aggregate classification (germline): Uncertain significance (1 of 4 stars; one submission).

Conditions:
Brugada syndrome 5 (BRGDA5). Identifiers: Orphanet 130, Orphanet 871, MedGen C2748541, MONDO:0013015, OMIM 612838.

Allele frequency attached by ClinVar (database versions not stated): gnomAD exomes below 0.00001; TOPMed below 0.00001.
gnomAD v4.1: 1 of 1,614,096 alleles (0.000062%); highest among the groups gnomAD compares: Non-Finnish European, 0.000085%; no homozygotes.

Submission:

Labcorp Genetics (formerly Invitae), Labcorp
Classification: Uncertain significance for Brugada syndrome 5. Last evaluated: 2022-05-03. Review status: criteria provided, single submitter. Criteria: Invitae Variant Classification Sherloc (09022015). Collection method: clinical testing. Allele origin: germline.
Comment: This sequence change replaces serine, which is neutral and polar, with threonine, which is neutral and polar, at codon 95 of the SCN1B protein (p.Ser95Thr). This variant is present in population databases (no rsID available, gnomAD 0.006%). This variant has not been reported in the literature in individuals affected with SCN1B-related conditions. Algorithms developed to predict the effect of missense changes on protein structure and function (SIFT, PolyPhen-2, Align-GVGD) all suggest that this variant is likely to be tolerated. In summary, the available evidence is currently insufficient to determine the role of this variant in disease. Therefore, it has been classified as a Variant of Uncertain Significance.